The following is an entry in ClinVar:

NM_020433.5(JPH2):c.1817C>T (p.Ala606Val)

Gene: JPH2 (junctophilin 2; minus strand). Cytogenetic location: 20q13.12.
Variant type: single nucleotide variant.
Coding change: c.1817C>T on transcript NM_020433.5 (MANE Select); coding-DNA position 1817, C replaced by T.
Protein change: p.Ala606Val; replaces alanine 606 with valine.
Molecular consequence: missense variant.
Genome position (GRCh38, 1-based): chr20:44,115,858, G>A on the plus strand (C>T on the coding strand, the complement: JPH2 is on the minus strand). VCF-style: chr20-44115858-G-A. GRCh37 (hg19) VCF-style: chr20-42744498-G-A.
Other names: short protein forms A606V.
Identifiers: ClinVar variation 3014669 (VCV003014669.3), dbSNP rs1198839461, ClinGen allele CA409099870.

ClinVar aggregate classification (germline): Uncertain significance (1 of 4 stars; one submission).

Conditions:
Hypertrophic cardiomyopathy. Also called: HYPERTROPHIC MYOCARDIOPATHY. Identifiers: Orphanet 217569, MedGen C0007194, MeSH D002312, MONDO:0005045, HP:0001639.

Allele frequency attached by ClinVar (database versions not stated): gnomAD exomes below 0.00001; TOPMed below 0.00001; gnomAD 0.00001.
gnomAD v4.1: 3 of 1,589,560 alleles (0.00019%); highest among the groups gnomAD compares: Non-Finnish European, 0.00026%; no homozygotes.

Submission:

Labcorp Genetics (formerly Invitae), Labcorp
Classification: Uncertain significance for Hypertrophic cardiomyopathy. Last evaluated: 2024-04-22. Review status: criteria provided, single submitter. Criteria: Invitae Variant Classification Sherloc (09022015). Collection method: clinical testing. Allele origin: germline.
Comment: This sequence change replaces alanine, which is neutral and non-polar, with valine, which is neutral and non-polar, at codon 606 of the JPH2 protein (p.Ala606Val). The frequency data for this variant in the population databases is considered unreliable, as metrics indicate poor data quality at this position in the gnomAD database. This variant has not been reported in the literature in individuals affected with JPH2-related conditions. An algorithm developed to predict the effect of missense changes on protein structure and function (PolyPhen-2) suggests that this variant is likely to be tolerated. In summary, the available evidence is currently insufficient to determine the role of this variant in disease. Therefore, it has been classified as a Variant of Uncertain Significance.